The following is an entry in ClinVar:

NM_001005373.4(LRSAM1):c.94G>A (p.Asp32Asn)

Gene: LRSAM1 (leucine rich repeat and sterile alpha motif containing 1; plus strand). Cytogenetic location: 9q33.3.
Variant type: single nucleotide variant.
Coding change: c.94G>A on transcript NM_001005373.4 (MANE Select); coding-DNA position 94, G replaced by A.
Protein change: p.Asp32Asn; replaces aspartic acid 32 with asparagine.
Molecular consequence: missense variant. On other transcripts: 5 prime UTR variant (1), non-coding transcript variant (2).
Genome position (GRCh38, 1-based): chr9:127,455,019, G>A. VCF-style: chr9-127455019-G-A. GRCh37 (hg19) VCF-style: chr9-130217298-G-A.
Other names: c.94G>A, p.Asp32Asn (NM_001005374.4, NM_001190723.3, NM_001384142.1 and 2 more transcripts); c.-691G>A (NM_001384144.1); c.94G>A (NM_138361.4); short protein forms D32N.
Identifiers: ClinVar variation 408269 (VCV000408269.22), dbSNP rs150784835, ClinGen allele CA5246376.

ClinVar aggregate classification (germline): Conflicting classifications of pathogenicity. Review status: criteria provided, conflicting classifications (1 of 4 stars). 8 submissions from 8 submitters: Uncertain significance (5); Likely benign (3). Last evaluated 2026-08-25.

Conditions:
LRSAM1-related disorder. Also called: LRSAM1-related condition.
Charcot-Marie-Tooth disease. Also called: Charcot-Marie-Tooth Neuropathy; Charcot-Marie-Tooth Hereditary Neuropathy. Identifiers: Orphanet 166, MedGen C0007959, MONDO:0015626.
Inborn genetic diseases. Identifiers: MedGen C0950123, MeSH D030342.
Charcot-Marie-Tooth disease axonal type 2P. Also called: CHARCOT-MARIE-TOOTH NEUROPATHY, TYPE 2P; Charcot-Marie-Tooth Neuropathy Type 2G; CHARCOT-MARIE-TOOTH DISEASE, AXONAL, TYPE 2G; CMT 2G. Identifiers: Orphanet 300319, Orphanet 99941, MedGen C3280797, MONDO:0013753, OMIM 614436.

Allele frequency attached by ClinVar (database versions not stated): ExAC 0.00009; gnomAD exomes 0.00010; 1000 Genomes Project 30x 0.00016; TOPMed 0.00016; gnomAD 0.00017; 1000 Genomes Project 0.00020; ESP Exome Variant Server 0.00031.

Submissions (8):

PreventionGenetics, part of Exact Sciences
Classification: Uncertain significance for LRSAM1-related condition. Last evaluated: 2026-08-25. Review status: criteria provided, single submitter. Criteria: ACMG Guidelines, 2015. Collection method: clinical testing. Allele origin: germline.
Comment: The LRSAM1 c.94G>A variant is predicted to result in the amino acid substitution p.Asp32Asn. This variant was reported as a variant of uncertain significance in an individual from a large cohort study of Charcot-Marie-Tooth disease; however, additional evidence was not provided (Volodarsky et al. 2021. PubMed ID: 32376792). This variant is reported in 0.024% of alleles in individuals of African descent in gnomAD. Although we suspect that this variant may be benign, at this time, the clinical significance of this variant is uncertain due to the absence of conclusive functional and genetic evidence.

Women's Health and Genetics/Laboratory Corporation of America, LabCorp
Classification: Uncertain significance. Last evaluated: 2026-02-16. Review status: criteria provided, single submitter. Criteria: LabCorp Variant Classification Summary - May 2015. Collection method: clinical testing. Allele origin: germline.
Comment: Variant summary: LRSAM1 c.94G>A (p.Asp32Asn) results in a conservative amino acid change in the encoded protein sequence. Algorithms developed to predict the effect of missense changes on protein structure and function are either unavailable or do not agree on the potential impact of this missense change. The variant allele was found at a frequency of 0.0001 in 251490 control chromosomes. This frequency is not significantly higher than estimated for disease-causing variants in LRSAM1, allowing no conclusion about variant significance. c.94G>A has been observed in a setting of panel testing for Charcot-Marie-Tooth disease with no clear evidence for causality (Volodarsky_2021). These report(s) do not provide unequivocal conclusions about association of the variant with Charcot-Marie-Tooth disease axonal type 2P-AR. To our knowledge, no experimental evidence demonstrating an impact on protein function has been reported. The following publication have been ascertained in the context of this evaluation (PMID: 32376792). ClinVar contains an entry for this variant (Variation ID: 408269). Based on the evidence outlined above, the variant was classified as uncertain significance.

Labcorp Genetics (formerly Invitae), Labcorp
Classification: Uncertain significance for Charcot-Marie-Tooth disease axonal type 2P. Last evaluated: 2025-10-01. Review status: criteria provided, single submitter. Criteria: Invitae Variant Classification Sherloc (09022015). Collection method: clinical testing. Allele origin: germline.
Comment: This sequence change replaces aspartic acid, which is acidic and polar, with asparagine, which is neutral and polar, at codon 32 of the LRSAM1 protein (p.Asp32Asn). This variant is present in population databases (rs150784835, gnomAD 0.02%). This missense change has been observed in individual(s) with clinical features of Charcot-Marie-Tooth disease (PMID: 32376792). ClinVar contains an entry for this variant (Variation ID: 408269). Invitae Evidence Modeling of protein sequence and biophysical properties (such as structural, functional, and spatial information, amino acid conservation, physicochemical variation, residue mobility, and thermodynamic stability) indicates that this missense variant is expected to disrupt LRSAM1 protein function with a positive predictive value of 80%. In summary, the available evidence is currently insufficient to determine the role of this variant in disease. Therefore, it has been classified as a Variant of Uncertain Significance.

Ambry Genetics
Classification: Likely benign for Inborn genetic diseases. Last evaluated: 2024-02-26. Review status: criteria provided, single submitter. Criteria: Ambry Variant Classification Scheme 2023. Collection method: clinical testing. Allele origin: germline.

Department of Pathology and Laboratory Medicine, Sinai Health System
Classification: Uncertain significance for Charcot-Marie-Tooth disease axonal type 2P. Last evaluated: 2022-08-05. Review status: criteria provided, single submitter. Criteria: ACMG Guidelines, 2015. Collection method: research. Allele origin: germline.

GeneDx
Classification: Likely benign. Last evaluated: 2020-02-27. Review status: criteria provided, single submitter. Criteria: GeneDx Variant Classification Process June 2021. Collection method: clinical testing. Allele origin: germline. Affected: yes.
Comment: This variant is associated with the following publications: (PMID: 32376792)

Illumina Laboratory Services, Illumina
Classification: Likely benign for Charcot-Marie-Tooth disease axonal type 2P. Last evaluated: 2018-01-13. Review status: criteria provided, single submitter. Criteria: ICSL Variant Classification Criteria 13 December 2019. Collection method: clinical testing. Allele origin: germline.
Comment: This variant was observed in the ICSL laboratory as part of a predisposition screen in an ostensibly healthy population. It had not been previously curated by ICSL or reported in the Human Gene Mutation Database (HGMD: prior to June 1st, 2018), and was therefore a candidate for classification through an automated scoring system. Utilizing variant allele frequency, disease prevalence and penetrance estimates, and inheritance mode, an automated score was calculated to assess if this variant is too frequent to cause the disease. Based on the score and internal cut-off values, a variant classified as likely benign is not then subjected to further curation. The score for this variant resulted in a classification of likely benign for this disease.

Molecular Genetics Laboratory, London Health Sciences Centre
Classification: Uncertain significance for Charcot-Marie-Tooth disease. Review status: criteria provided, single submitter. Criteria: ACMG Guidelines, 2015. Collection method: clinical testing. Allele origin: germline. Affected: yes.

Literature cited by the submitters: PubMed 32376792 (cited by Women's Health and Genetics/Laboratory Corporation of America, LabCorp and Labcorp Genetics (formerly Invitae), Labcorp).